The following is an entry in ClinVar:

NM_001625.4(AK2):c.247A>G (p.Ile83Val)

Gene: AK2 (adenylate kinase 2; minus strand). Cytogenetic location: 1p35.1.
Variant type: single nucleotide variant.
Coding change: c.247A>G on transcript NM_001625.4 (MANE Select); coding-DNA position 247, A replaced by G.
Protein change: p.Ile83Val; replaces isoleucine 83 with valine.
Molecular consequence: missense variant. On other transcripts: non-coding transcript variant (1).
Genome position (GRCh38, 1-based): chr1:33,021,676, T>C on the plus strand (A>G on the coding strand, the complement: AK2 is on the minus strand). VCF-style: chr1-33021676-T-C. GRCh37 (hg19) VCF-style: chr1-33487277-T-C.
Other names: c.247A>G, p.Ile83Val (NM_001199199.3, NM_001319141.3, NM_001319143.2 and 1 more transcripts); c.103A>G, p.Ile35Val (NM_001319139.3, NM_001319140.2); c.121A>G, p.Ile41Val (NM_001319142.3); short protein forms I83V, I35V, I41V.
Identifiers: ClinVar variation 577089 (VCV000577089.9), dbSNP rs184683619, ClinGen allele CA747201.

ClinVar aggregate classification (germline): Uncertain significance. Review status: criteria provided, multiple submitters, no conflicts (2 of 4 stars). 3 submissions from 3 submitters: Uncertain significance (3). Last evaluated 2024-10-25.

Conditions:
Reticular dysgenesis. Also called: ALEUKOCYTOSIS; CONGENITAL ALEUKIA; HEMATOPOIETIC HYPOPLASIA, GENERALIZED; RETICULAR DYSGENESIA; SEVERE COMBINED IMMUNODEFICIENCY WITH LEUKOPENIA; DeVaal disease. Identifiers: Orphanet 33355, MedGen C0272167, MONDO:0009973, OMIM 267500.

Allele frequency attached by ClinVar (database versions not stated): gnomAD 0.00047 and 0.00049; gnomAD exomes 0.00047; ExAC 0.00035; ESP Exome Variant Server 0.00046; TOPMed 0.00054; 1000 Genomes Project 0.00060; 1000 Genomes Project 30x 0.00078.
gnomAD v4.1: 914 of 1,613,880 alleles (0.057%); highest among the groups gnomAD compares: Middle Eastern, 0.12%; 1 homozygote.

Submissions (3):

Blueprint Genetics
Classification: Uncertain significance. Last evaluated: 2024-10-25. Review status: criteria provided, single submitter. Criteria: ACMG Guidelines, 2015. Collection method: clinical testing. Allele origin: germline.

Labcorp Genetics (formerly Invitae), Labcorp
Classification: Uncertain significance for Reticular dysgenesis. Last evaluated: 2022-10-05. Review status: criteria provided, single submitter. Criteria: Invitae Variant Classification Sherloc (09022015). Collection method: clinical testing. Allele origin: germline.
Comment: This sequence change replaces isoleucine, which is neutral and non-polar, with valine, which is neutral and non-polar, at codon 83 of the AK2 protein (p.Ile83Val). This variant is present in population databases (rs184683619, gnomAD 0.1%), and has an allele count higher than expected for a pathogenic variant. This variant has not been reported in the literature in individuals affected with AK2-related conditions. ClinVar contains an entry for this variant (Variation ID: 577089). Algorithms developed to predict the effect of missense changes on protein structure and function are either unavailable or do not agree on the potential impact of this missense change (SIFT: "Deleterious"; PolyPhen-2: "Benign"; Align-GVGD: "Class C25"). In summary, the available evidence is currently insufficient to determine the role of this variant in disease. Therefore, it has been classified as a Variant of Uncertain Significance.

Fulgent Genetics
Classification: Uncertain significance for Reticular dysgenesis. Last evaluated: 2018-10-31. Review status: criteria provided, single submitter. Criteria: ACMG Guidelines, 2015. Collection method: clinical testing. Allele origin: unknown.